The following is an entry in ClinVar:

NM_022369.4(STRA6):c.406+5C>T

Gene: STRA6 (signaling receptor and transporter of retinol STRA6; minus strand). Cytogenetic location: 15q24.1.
Variant type: single nucleotide variant.
Coding change: c.406+5C>T on transcript NM_022369.4 (MANE Select); 5 bases into the intron after coding-DNA position 406, C replaced by T.
Molecular consequence: intron variant.
Genome position (GRCh38, 1-based): chr15:74,196,003, G>A on the plus strand (C>T on the coding strand, the complement: STRA6 is on the minus strand). VCF-style: chr15-74196003-G-A. GRCh37 (hg19) VCF-style: chr15-74488344-G-A.
Other names: c.517+5C>T (NM_001199040.2); c.379+5C>T (NM_001142619.2); c.406+5C>T (NM_001142617.2, NM_001142618.2, NM_001142620.2); c.451+5C>T (NM_001199041.2); c.523+5C>T (NM_001199042.2).
Identifiers: ClinVar variation 317113 (VCV000317113.13), dbSNP rs202172221, ClinGen allele CA7655008.
Genomic context (GRCh38, chr15:74,196,003, plus strand): 5'-ACTCCGAGACCCCACCCTACCCCATCCCATCACACCAACCCCAGGGCCTGGGGGTCAGTG[G>A]GTACCTTGGCTGGGTGCTGAGGCGAGAGTCAGGAAGGGCAATGCGTCCTCGTCGGGGAGC-3'

ClinVar aggregate classification (germline): Likely benign. Review status: criteria provided, multiple submitters, no conflicts (2 of 4 stars). 5 submissions from 5 submitters: Likely benign (4). 1 of the submissions does not count toward it. Last evaluated 2024-11-21.

Conditions:
STRA6-related disorder. Also called: STRA6-related condition.
Microphthalmia, syndromic 9. Also called: PULMONARY AGENESIS, MICROPHTHALMIA, AND DIAPHRAGMATIC DEFECT; ANOPHTHALMIA, CLINICAL, WITH MILD FACIAL DYSMORPHISM AND VARIABLE MALFORMATIONS OF THE LUNG, HEART, AND DIAPHRAGM; ANOPHTHALMIA/MICROPHTHALMIA AND PULMONARY HYPOPLASIA; SPEAR SYNDROME; Matthew-Wood syndrome. Identifiers: Orphanet 2470, MedGen C1832661, MONDO:0011010, OMIM 601186.

Allele frequency attached by ClinVar (database versions not stated): gnomAD 0.00016 and 0.00027; gnomAD exomes 0.00018 and 0.00044; TOPMed 0.00030; ExAC 0.00050; 1000 Genomes Project 0.00100; 1000 Genomes Project 30x 0.00125.
gnomAD v4.1: 325 of 1,613,832 alleles (0.02%); highest among the groups gnomAD compares: East Asian, 0.46%; 4 homozygotes.

Submissions (5):

Blueprint Genetics
Classification: Likely benign. Last evaluated: 2024-11-21. Review status: criteria provided, single submitter. Criteria: ACMG Guidelines, 2015. Collection method: clinical testing. Allele origin: germline.

Labcorp Genetics (formerly Invitae), Labcorp
Classification: Likely benign for Microphthalmia syndromic 9. Last evaluated: 2019-12-31. Review status: criteria provided, single submitter. Criteria: Invitae Variant Classification Sherloc (09022015). Collection method: clinical testing. Allele origin: germline.

GeneDx
Classification: Likely benign. Last evaluated: 2018-07-11. Review status: criteria provided, single submitter. Criteria: GeneDx Variant Classification Process June 2021. Collection method: clinical testing. Allele origin: germline. Affected: yes.
Comment: See Variant Classification Assertion Criteria.

Illumina Laboratory Services, Illumina
Classification: Likely benign for Microphthalmia, syndromic 9. Last evaluated: 2018-01-13. Review status: criteria provided, single submitter. Criteria: ICSL Variant Classification Criteria 13 December 2019. Collection method: clinical testing. Allele origin: germline.
Comment: This variant was observed in the ICSL laboratory as part of a predisposition screen in an ostensibly healthy population. It had not been previously curated by ICSL or reported in the Human Gene Mutation Database (HGMD: prior to June 1st, 2018), and was therefore a candidate for classification through an automated scoring system. Utilizing variant allele frequency, disease prevalence and penetrance estimates, and inheritance mode, an automated score was calculated to assess if this variant is too frequent to cause the disease. Based on the score and internal cut-off values, a variant classified as likely benign is not then subjected to further curation. The score for this variant resulted in a classification of likely benign for this disease.

PreventionGenetics, part of Exact Sciences
Classification: Likely benign for STRA6-related condition. Last evaluated: 2019-10-28. Review status: no assertion criteria provided. Collection method: clinical testing. Allele origin: germline. Not counted in ClinVar's aggregate classification.
Comment: This variant is classified as likely benign based on ACMG/AMP sequence variant interpretation guidelines (Richards et al. 2015 PMID: 25741868, with internal and published modifications).